The following is an entry in ClinVar:

NM_005591.4(MRE11):c.461G>C (p.Gly154Ala)

Gene: MRE11 (MRE11 double strand break repair nuclease; minus strand). Cytogenetic location: 11q21.
Variant type: single nucleotide variant.
Coding change: c.461G>C on transcript NM_005591.4 (MANE Select); coding-DNA position 461, G replaced by C.
Protein change: p.Gly154Ala; replaces glycine 154 with alanine.
Molecular consequence: missense variant.
Genome position (GRCh38, 1-based): chr11:94,478,818, C>G on the plus strand (G>C on the coding strand, the complement: MRE11 is on the minus strand). VCF-style: chr11-94478818-C-G. GRCh37 (hg19) VCF-style: chr11-94211984-C-G.
Other names: c.461G>C, p.Gly154Ala (NM_001330347.2, NM_005590.4); short protein forms G154A.
Identifiers: ClinVar variation 3224858 (VCV003224858.1), dbSNP rs2496556545, ClinGen allele CA382377569.
Genomic context (GRCh38, chr11:94,478,818, plus strand): 5'-GTGCTTCCTTTTTGAAGCAAAACCGGACTAATGTCTATCTTCTCCACAGACATTGAACGT[C>G]CAAAGTGATTTACAAATCCAGCACAACTTAAAATGTCCAAGGCACAAAGTGCATCTGCCT-3'
Protein context (NP_005582.1, residues 144-164): LSCAGFVNHF[Gly154Ala]RSMSVEKIDI

ClinVar aggregate classification (germline): Uncertain significance (1 of 4 stars; one submission).

Conditions:
Hereditary cancer-predisposing syndrome. Also called: Neoplastic Syndromes, Hereditary; Tumor predisposition; Hereditary neoplastic syndrome; Hereditary Cancer Syndrome. Identifiers: Orphanet 140162, MedGen C0027672, MeSH D009386, MONDO:0015356.

Submission:

Ambry Genetics
Classification: Uncertain significance for Hereditary cancer-predisposing syndrome. Last evaluated: 2023-12-29. Review status: criteria provided, single submitter. Criteria: Ambry Variant Classification Scheme 2023. Collection method: clinical testing. Allele origin: germline.
Comment: The p.G154A variant (also known as c.461G>C), located in coding exon 5 of the MRE11A gene, results from a G to C substitution at nucleotide position 461. The glycine at codon 154 is replaced by alanine, an amino acid with similar properties. This amino acid position is conserved. In addition, this alteration is predicted to be deleterious by in silico analysis. Since supporting evidence is limited at this time, the clinical significance of this alteration remains unclear.